The following is an entry in ClinVar:

NM_001852.4(COL9A2):c.846+5G>T

Gene: COL9A2 (collagen type IX alpha 2 chain; minus strand). Cytogenetic location: 1p34.2.
Variant type: single nucleotide variant.
Coding change: c.846+5G>T on transcript NM_001852.4 (MANE Select); 5 bases into the intron after coding-DNA position 846, G replaced by T.
Molecular consequence: intron variant.
Genome position (GRCh38, 1-based): chr1:40,309,933, C>A on the plus strand (G>T on the coding strand, the complement: COL9A2 is on the minus strand). VCF-style: chr1-40309933-C-A. GRCh37 (hg19) VCF-style: chr1-40775605-C-A.
Identifiers: ClinVar variation 2826706 (VCV002826706.3), dbSNP rs2522538297, ClinGen allele CA2739272525.

ClinVar aggregate classification (germline): Uncertain significance (1 of 4 stars; one submission).

Submission:

Labcorp Genetics (formerly Invitae), Labcorp
Classification: Uncertain significance. Last evaluated: 2023-01-07. Review status: criteria provided, single submitter. Criteria: Invitae Variant Classification Sherloc (09022015). Collection method: clinical testing. Allele origin: germline.
Comment: In summary, the available evidence is currently insufficient to determine the role of this variant in disease. Therefore, it has been classified as a Variant of Uncertain Significance. Variants that disrupt the consensus splice site are a relatively common cause of aberrant splicing (PMID: 17576681, 9536098). Algorithms developed to predict the effect of sequence changes on RNA splicing suggest that this variant may disrupt the consensus splice site. This variant has not been reported in the literature in individuals affected with COL9A2-related conditions. This variant is not present in population databases (gnomAD no frequency). This sequence change falls in intron 16 of the COL9A2 gene. It does not directly change the encoded amino acid sequence of the COL9A2 protein. It affects a nucleotide within the consensus splice site.

Literature cited by the submitters: PubMed 17576681; PubMed 9536098.